The following is an entry in ClinVar:

ClinVar aggregate classification (germline): Pathogenic (1 of 4 stars; one submission).

Allele frequency attached by ClinVar (database versions not stated): gnomAD exomes below 0.00001; ExAC 0.00001.
gnomAD v4.1: 2 of 1,614,200 alleles (0.00012%); highest among the groups gnomAD compares: Non-Finnish European, 0.00017%; no homozygotes.

Submission:

Labcorp Genetics (formerly Invitae), Labcorp
Classification: Pathogenic. Last evaluated: 2024-01-30. Review status: criteria provided, single submitter. Criteria: Invitae Variant Classification Sherloc (09022015). Collection method: clinical testing. Allele origin: germline.
Comment: This sequence change creates a premature translational stop signal (p.Glu129*) in the CIB2 gene. It is expected to result in an absent or disrupted protein product. Loss-of-function variants in CIB2 are known to be pathogenic (PMID: 26173970, 26226137, 26445815). This variant is present in population databases (rs752523704, gnomAD 0.0009%). This variant has not been reported in the literature in individuals affected with CIB2-related conditions. ClinVar contains an entry for this variant (Variation ID: 1455258). For these reasons, this variant has been classified as Pathogenic.

Literature cited by the submitters: PubMed 26173970; PubMed 26226137; PubMed 26445815.

NM_006383.4(CIB2):c.385G>T (p.Glu129Ter)

Gene: CIB2 (calcium and integrin binding family member 2; minus strand). Cytogenetic location: 15q25.1.
Variant type: single nucleotide variant.
Coding change: c.385G>T on transcript NM_006383.4 (MANE Select); coding-DNA position 385, G replaced by T.
Protein change: p.Glu129Ter; replaces glutamic acid 129 with a stop codon.
Molecular consequence: nonsense. On other transcripts: non-coding transcript variant (1).
Genome position (GRCh38, 1-based): chr15:78,105,896, C>A on the plus strand (G>T on the coding strand, the complement: CIB2 is on the minus strand). VCF-style: chr15-78105896-C-A. GRCh37 (hg19) VCF-style: chr15-78398238-C-A.
Other names: c.256G>T, p.Glu86Ter (NM_001271888.2); c.238G>T, p.Glu80Ter (NM_001271889.2); c.400G>T, p.Glu134Ter (NM_001301224.2); short protein forms E134*, E80*, E86*, E129*.
Identifiers: ClinVar variation 1455258 (VCV001455258.6), dbSNP rs752523704, ClinGen allele CA7680180.
Genomic context (GRCh38, chr15:78,105,896, plus strand): 5'-ACACAAGCACCACCTCCTCCTCATCCAGCTCTGACTTAGTGAGCCGGGCCAGCGTCAGCT[C>A]CAGGTCCTCCTTGCAGATGAAGTTGTCAGTGTTGAAGTCTGTAGGGCAGGGGTTGGACAT-3'